The following is an entry in ClinVar:

NM_001318852.2(MAPK8IP3):c.3238-1G>A

Gene: MAPK8IP3 (mitogen-activated protein kinase 8 interacting protein 3; plus strand). Cytogenetic location: 16p13.3.
Variant type: single nucleotide variant.
Coding change: c.3238-1G>A on transcript NM_001318852.2 (MANE Select); the canonical splice acceptor site of the intron before coding-DNA position 3238, G replaced by A.
Molecular consequence: splice acceptor variant.
Genome position (GRCh38, 1-based): chr16:1,767,563, G>A. VCF-style: chr16-1767563-G-A. GRCh37 (hg19) VCF-style: chr16-1817564-G-A.
Other names: c.3235-1G>A (NM_015133.5); c.3217-1G>A (NM_001040439.2).
Identifiers: ClinVar variation 4888434 (VCV004888434.1).

ClinVar aggregate classification (germline): Likely pathogenic (1 of 4 stars; one submission).

Conditions:
Neurodevelopmental disorder with or without variable brain abnormalities; NEDBA. Also called: NEURODEVELOPMENTAL DISORDER WITH OR WITHOUT VARIABLE BRAIN ABNORMALITIES. Identifiers: MedGen C5193102, MONDO:0032755, OMIM 618443.

Submission:

MVZ Praenatalmedizin und Genetik Nuernberg
Classification: Likely pathogenic for Neurodevelopmental disorder with or without variable brain abnormalities; NEDBA. Last evaluated: 2026-01-12. Review status: criteria provided, single submitter. Criteria: ACMG Guidelines, 2015. Collection method: clinical testing. Allele origin: germline.
Comment: This variant is very rare (gnomAD v4: 0 alleles in approximately 800,000 individuals; not previously described in the ClinVar database or literature). It affects the highly conserved acceptor splice site of exon 27. Variants at this position of the splice consensus are highly likely to cause a disruption of the splicing process, which can potentially result in a loss of function of the affected gene.